The following is an entry in ClinVar:

NM_003072.5(SMARCA4):c.3860A>T (p.Glu1287Val)

Gene: SMARCA4 (SWI/SNF related BAF chromatin remodeling complex subunit ATPase 4; plus strand). Cytogenetic location: 19p13.2.
Variant type: single nucleotide variant.
Coding change: c.3860A>T on transcript NM_003072.5 (MANE Select); coding-DNA position 3860, A replaced by T.
Protein change: p.Glu1287Val; replaces glutamic acid 1287 with valine.
Molecular consequence: missense variant. On other transcripts: intron variant (5).
Genome position (GRCh38, 1-based): chr19:11,033,852, A>T. VCF-style: chr19-11033852-A-T. GRCh37 (hg19) VCF-style: chr19-11144528-A-T.
Other names: c.3860A>T, p.Glu1287Val (NM_001387283.1, NM_001128844.3, NM_001128849.3); c.3775-271A>T (NM_001128847.4, NM_001374457.1, NM_001128845.2 and 2 more transcripts); short protein forms E1287V.
Identifiers: ClinVar variation 578335 (VCV000578335.10), dbSNP rs1568511022, ClinGen allele CA404066829.

ClinVar aggregate classification (germline): Uncertain significance (1 of 4 stars; one submission).

Conditions:
Rhabdoid tumor predisposition syndrome 2 (RTPS2). Identifiers: Orphanet 231108, Orphanet 69077, MedGen C2750074, MONDO:0013224, OMIM 613325.

Submission:

Labcorp Genetics (formerly Invitae), Labcorp
Classification: Uncertain significance for Rhabdoid tumor predisposition syndrome 2. Last evaluated: 2019-04-25. Review status: criteria provided, single submitter. Criteria: Invitae Variant Classification Sherloc (09022015). Collection method: clinical testing. Allele origin: germline.
Comment: This sequence change replaces glutamic acid with valine at codon 1287 of the SMARCA4 protein (p.Glu1287Val). The glutamic acid residue is moderately conserved and there is a moderate physicochemical difference between glutamic acid and valine. This variant is not present in population databases (ExAC no frequency). This variant has not been reported in the literature in individuals with SMARCA4-related disease. Algorithms developed to predict the effect of missense changes on protein structure and function do not agree on the potential impact of this missense change (SIFT: "Deleterious"; PolyPhen-2: "Benign"; Align-GVGD: "Class C0"). Algorithms developed to predict the effect of sequence changes on RNA splicing suggest that this variant may create or strengthen a splice site, but this prediction has not been confirmed by published transcriptional studies. In summary, the available evidence is currently insufficient to determine the role of this variant in disease. Therefore, it has been classified as a Variant of Uncertain Significance.